The following is an entry in ClinVar:

NM_004006.3(DMD):c.7300A>G (p.Ile2434Val)

Gene: DMD (dystrophin; minus strand). Cytogenetic location: Xp21.1.
Variant type: single nucleotide variant.
Coding change: c.7300A>G on transcript NM_004006.3 (MANE Select); coding-DNA position 7300, A replaced by G.
Protein change: p.Ile2434Val; replaces isoleucine 2434 with valine.
Molecular consequence: missense variant. On other transcripts: 5 prime UTR variant (5).
Genome position (GRCh38, 1-based): chrX:31,819,984, T>C on the plus strand (A>G on the coding strand, the complement: DMD is on the minus strand). VCF-style: chrX-31819984-T-C. GRCh37 (hg19) VCF-style: chrX-31838101-T-C.
Other names: c.7276A>G, p.Ile2426Val (NM_000109.4); c.7288A>G, p.Ile2430Val (NM_004009.3); c.6931A>G, p.Ile2311Val (NM_004010.3); c.3277A>G, p.Ile1093Val (NM_004011.4); c.3268A>G, p.Ile1090Val (NM_004012.4); c.-81A>G (NM_004013.3, NM_004020.4, NM_004021.3 and 2 more transcripts); short protein forms I2434V, I1090V, I1093V, I2311V, I2426V, I2430V.
Identifiers: ClinVar variation 574329 (VCV000574329.7), dbSNP rs895117941, ClinGen allele CA328476079.

ClinVar aggregate classification (germline): Conflicting classifications of pathogenicity. Review status: criteria provided, conflicting classifications (1 of 4 stars). 3 submissions from 3 submitters: Uncertain significance (1); Likely benign (1). 1 of the submissions does not count toward it. Last evaluated 2026-05-12.

Conditions:
Cardiomyopathy (CMYO). Also called: Cardiomyopathies. Identifiers: Orphanet 167848, MedGen C0878544, MONDO:0004994, HP:0001638. Inheritance: Various modes of inheritance.
Duchenne muscular dystrophy (DMD). Also called: MUSCULAR DYSTROPHY, PSEUDOHYPERTROPHIC PROGRESSIVE, DUCHENNE TYPE; Duchenne Muscular Dystrophy (DMD). Identifiers: Orphanet 98896, MedGen C0013264, MONDO:0010679, OMIM 310200.
Becker muscular dystrophy (BMD). Also called: MUSCULAR DYSTROPHY, PSEUDOHYPERTROPHIC PROGRESSIVE, BECKER TYPE; Becker Muscular Dystrophy (BMD). Identifiers: Orphanet 98895, MedGen C0917713, MONDO:0010311, OMIM 300376.
Dystrophin deficiency.
Cardiovascular phenotype. Identifiers: MedGen CN230736.

Allele frequency attached by ClinVar (database versions not stated): TOPMed 0.00002.
gnomAD v4.1: 4 of 1,208,132 alleles (0.00033%); highest among the groups gnomAD compares: Non-Finnish European, 0.00045%; no homozygotes.

Submissions (3):

Ambry Genetics
Classification: Likely benign for Cardiovascular phenotype. Last evaluated: 2026-05-12. Review status: criteria provided, single submitter. Criteria: Ambry Variant Classification Scheme 2023. Collection method: clinical testing. Allele origin: germline.

Labcorp Genetics (formerly Invitae), Labcorp
Classification: Uncertain significance for Duchenne muscular dystrophy. Last evaluated: 2026-01-26. Review status: criteria provided, single submitter. Criteria: Invitae Variant Classification Sherloc (09022015). Collection method: clinical testing. Allele origin: germline.
Comment: This sequence change replaces isoleucine, which is neutral and non-polar, with valine, which is neutral and non-polar, at codon 2434 of the DMD protein (p.Ile2434Val). This variant is not present in population databases (gnomAD no frequency). This variant has not been reported in the literature in individuals affected with DMD-related conditions. ClinVar contains an entry for this variant (Variation ID: 574329). Invitae Evidence Modeling of protein sequence and biophysical properties (such as structural, functional, and spatial information, amino acid conservation, physicochemical variation, residue mobility, and thermodynamic stability) indicates that this missense variant is not expected to disrupt DMD protein function with a negative predictive value of 95%. In summary, the available evidence is currently insufficient to determine the role of this variant in disease. Therefore, it has been classified as a Variant of Uncertain Significance.

Natera, Inc.
Classification: Uncertain significance for Becker muscular dystrophy; Cardiomyopathy; Duchenne muscular dystrophy; Dystrophin deficiency. Last evaluated: 2018-07-03. Review status: no assertion criteria provided. Collection method: clinical testing. Allele origin: germline. Not counted in ClinVar's aggregate classification.